The following is an entry in ClinVar:

ClinVar aggregate classification (germline): Uncertain significance. Review status: criteria provided, multiple submitters, no conflicts (2 of 4 stars). 2 submissions from 2 submitters: Uncertain significance (2). Last evaluated 2024-06-10.

Conditions:
Hereditary breast ovarian cancer syndrome. Also called: Hereditary breast and ovarian cancer syndrome; Hereditary breast and/or ovarian cancer syndrome; Hereditary breast and ovarian cancer; Hereditary breast and ovarian cancer syndrome (HBOC); Breast and ovarian cancer; BRCA1- and BRCA2-Associated Hereditary Breast and Ovarian Cancer. Identifiers: Orphanet 145, MedGen C0677776, MeSH D061325, MONDO:0003582. Disease mechanism: loss of function.

Submissions (2):

Women's Health and Genetics/Laboratory Corporation of America, LabCorp
Classification: Uncertain significance. Last evaluated: 2024-06-10. Review status: criteria provided, single submitter. Criteria: LabCorp Variant Classification Summary - May 2015. Collection method: clinical testing. Allele origin: germline.
Comment: Variant summary: BRCA2 c.7912T>G (p.Phe2638Val) results in a non-conservative amino acid change located in the helical domain (IPR015252) of the encoded protein sequence. Five of five in-silico tools predict a damaging effect of the variant on protein function. The variant was absent in 251282 control chromosomes. The available data on variant occurrences in the general population are insufficient to allow any conclusion about variant significance. To our knowledge, no occurrence of c.7912T>G in individuals affected with Hereditary Breast And Ovarian Cancer Syndrome and no experimental evidence demonstrating its impact on protein function have been reported. ClinVar contains an entry for this variant (Variation ID: 1035190). Based on the evidence outlined above, the variant was classified as uncertain significance.

Labcorp Genetics (formerly Invitae), Labcorp
Classification: Uncertain significance for Hereditary breast ovarian cancer syndrome. Last evaluated: 2020-05-11. Review status: criteria provided, single submitter. Criteria: Invitae Variant Classification Sherloc (09022015). Collection method: clinical testing. Allele origin: germline.
Comment: In summary, the available evidence is currently insufficient to determine the role of this variant in disease. Therefore, it has been classified as a Variant of Uncertain Significance. Algorithms developed to predict the effect of missense changes on protein structure and function are either unavailable or do not agree on the potential impact of this missense change (SIFT: "Deleterious"; PolyPhen-2: "Probably Damaging"; Align-GVGD: "Class C15"). This variant has not been reported in the literature in individuals with BRCA2-related conditions. This variant is not present in population databases (ExAC no frequency). This sequence change replaces phenylalanine with valine at codon 2638 of the BRCA2 protein (p.Phe2638Val). The phenylalanine residue is highly conserved and there is a small physicochemical difference between phenylalanine and valine.

NM_000059.4(BRCA2):c.7912T>G (p.Phe2638Val)

Gene: BRCA2 (BRCA2 DNA repair associated; plus strand). Cytogenetic location: 13q13.1.
Variant type: single nucleotide variant.
Coding change: c.7912T>G on transcript NM_000059.4 (MANE Select); coding-DNA position 7912, T replaced by G.
Protein change: p.Phe2638Val; replaces phenylalanine 2638 with valine.
Molecular consequence: missense variant.
Genome position (GRCh38, 1-based): chr13:32,362,629, T>G. VCF-style: chr13-32362629-T-G. GRCh37 (hg19) VCF-style: chr13-32936766-T-G.
Other names: short protein forms F2638V.
Identifiers: ClinVar variation 1035190 (VCV001035190.10), dbSNP rs876658206, ClinGen allele CA387747170.
Genomic context (GRCh38, chr13:32,362,629, plus strand): 5'-ATTTGGGTTTATAATCACTATAGATGGATCATATGGAAACTGGCAGCTATGGAATGTGCC[T>G]TTCCTAAGGAATTTGCTAATAGATGCCTAAGCCCAGAAAGGGTGCTTCTTCAACTAAAAT-3'
Protein context (NP_000050.3, residues 2628-2648): IWKLAAMECA[Phe2638Val]PKEFANRCLS